The following is an entry in ClinVar:

NM_007289.4(MME):c.346G>A (p.Val116Ile)

Gene: MME (membrane metalloendopeptidase; plus strand). Cytogenetic location: 3q25.2.
Variant type: single nucleotide variant.
Coding change: c.346G>A on transcript NM_007289.4 (MANE Select); coding-DNA position 346, G replaced by A.
Protein change: p.Val116Ile; replaces valine 116 with isoleucine.
Molecular consequence: missense variant.
Genome position (GRCh38, 1-based): chr3:155,115,143, G>A. VCF-style: chr3-155115143-G-A. GRCh37 (hg19) VCF-style: chr3-154832932-G-A.
Other names: c.346G>A, p.Val116Ile (NM_000902.5, NM_001354642.2, NM_001354643.1 and 2 more transcripts); short protein forms V116I.
Identifiers: ClinVar variation 1484264 (VCV001484264.7), dbSNP rs745499234, ClinGen allele CA2675110.

ClinVar aggregate classification (germline): Uncertain significance. Review status: criteria provided, multiple submitters, no conflicts (2 of 4 stars). 2 submissions from 2 submitters: Uncertain significance (2). Last evaluated 2024-05-28.

Conditions:
Charcot-Marie-Tooth disease axonal type 2T. Identifiers: Orphanet 443950, MedGen C4015635, OMIM 617017, MONDO:0014866.
Spinocerebellar ataxia 43 (SCA43). Identifiers: Orphanet 497764, MedGen C4310763, MONDO:0014867, OMIM 617018.

Allele frequency attached by ClinVar (database versions not stated): gnomAD exomes 0.00002 and 0.00001; ExAC 0.00001; gnomAD 0.00002; TOPMed 0.00002.
gnomAD v4.1: 10 of 1,613,940 alleles (0.00062%); highest among the groups gnomAD compares: Non-Finnish European, 0.00085%; no homozygotes.

Submissions (2):

Fulgent Genetics
Classification: Uncertain significance for Charcot-Marie-Tooth disease axonal type 2T; Spinocerebellar ataxia 43. Last evaluated: 2024-05-28. Review status: criteria provided, single submitter. Criteria: ACMG Guidelines, 2015. Collection method: clinical testing. Allele origin: germline.

Labcorp Genetics (formerly Invitae), Labcorp
Classification: Uncertain significance. Last evaluated: 2022-11-29. Review status: criteria provided, single submitter. Criteria: Invitae Variant Classification Sherloc (09022015). Collection method: clinical testing. Allele origin: germline.
Comment: In summary, the available evidence is currently insufficient to determine the role of this variant in disease. Therefore, it has been classified as a Variant of Uncertain Significance. Advanced modeling of protein sequence and biophysical properties (such as structural, functional, and spatial information, amino acid conservation, physicochemical variation, residue mobility, and thermodynamic stability) performed at Invitae indicates that this missense variant is not expected to disrupt MME protein function. ClinVar contains an entry for this variant (Variation ID: 1484264). This variant has not been reported in the literature in individuals affected with MME-related conditions. This variant is present in population databases (rs745499234, gnomAD 0.003%). This sequence change replaces valine, which is neutral and non-polar, with isoleucine, which is neutral and non-polar, at codon 116 of the MME protein (p.Val116Ile).